The following is an entry in ClinVar:

NM_000313.4(PROS1):c.1703G>A (p.Cys568Tyr)

Gene: PROS1 (protein S; minus strand). Cytogenetic location: 3q11.1.
Variant type: single nucleotide variant.
Coding change: c.1703G>A on transcript NM_000313.4 (MANE Select); coding-DNA position 1703, G replaced by A.
Protein change: p.Cys568Tyr; replaces cysteine 568 with tyrosine.
Molecular consequence: missense variant.
Genome position (GRCh38, 1-based): chr3:93,877,133, C>T on the plus strand (G>A on the coding strand, the complement: PROS1 is on the minus strand). VCF-style: chr3-93877133-C-T. GRCh37 (hg19) VCF-style: chr3-93595977-C-T.
Other names: c.1799G>A, p.Cys600Tyr (NM_001314077.2); short protein forms C568Y, C600Y.
Identifiers: ClinVar variation 2203404 (VCV002203404.4), dbSNP rs2472104636, ClinGen allele CA353671337.

ClinVar aggregate classification (germline): Uncertain significance (1 of 4 stars; one submission).

Conditions:
Thrombophilia due to protein S deficiency, autosomal recessive (THPH6). Identifiers: Orphanet 743, MedGen C3281092, MONDO:0013791, OMIM 614514. Disease mechanism: loss of function.

Submission:

Labcorp Genetics (formerly Invitae), Labcorp
Classification: Uncertain significance for Thrombophilia due to protein S deficiency, autosomal recessive. Last evaluated: 2023-03-24. Review status: criteria provided, single submitter. Criteria: Invitae Variant Classification Sherloc (09022015). Collection method: clinical testing. Allele origin: germline.
Comment: This sequence change replaces cysteine, which is neutral and slightly polar, with tyrosine, which is neutral and polar, at codon 568 of the PROS1 protein (p.Cys568Tyr). This variant is not present in population databases (gnomAD no frequency). This missense change has been observed in individual(s) with protein S deficiency (PMID: 8765219). ClinVar contains an entry for this variant (Variation ID: 2203404). Advanced modeling of protein sequence and biophysical properties (such as structural, functional, and spatial information, amino acid conservation, physicochemical variation, residue mobility, and thermodynamic stability) has been performed at Invitae for this missense variant, however the output from this modeling did not meet the statistical confidence thresholds required to predict the impact of this variant on PROS1 protein function. In summary, the available evidence is currently insufficient to determine the role of this variant in disease. Therefore, it has been classified as a Variant of Uncertain Significance.

Literature cited by the submitters: PubMed 8765219.